The following is an entry in ClinVar:

NM_001142864.4(PIEZO1):c.1815G>A (p.Met605Ile)

Genes: HSALR1 (HSP90AB1 associated lncRNA 1; plus strand), PIEZO1 (piezo type mechanosensitive ion channel component 1 (Er blood group); minus strand). Cytogenetic location: 16q24.3.
Variant type: single nucleotide variant.
Coding change: c.1815G>A on transcript NM_001142864.4 (MANE Select); coding-DNA position 1815, G replaced by A.
Protein change: p.Met605Ile; replaces methionine 605 with isoleucine.
Molecular consequence: missense variant.
Genome position (GRCh38, 1-based): chr16:88,734,908, C>T on the plus strand (G>A on the coding strand, the complement: PIEZO1 is on the minus strand). VCF-style: chr16-88734908-C-T. GRCh37 (hg19) VCF-style: chr16-88801316-C-T.
Other names: c.360G>A, p.Met120Ile (NM_014745.1); short protein forms M120I, M605I.
Identifiers: ClinVar variation 2570954 (VCV002570954.27), dbSNP rs2507911349, ClinGen allele CA397115194.

ClinVar aggregate classification (germline): Uncertain significance (1 of 4 stars; one submission).

Submission:

CeGaT Center for Human Genetics Tuebingen
Classification: Uncertain significance. Last evaluated: 2023-04-01. Review status: criteria provided, single submitter. Criteria: CeGaT Center For Human Genetics Tuebingen Variant Classification Criteria Version 2. Collection method: clinical testing. Allele origin: germline. Affected: yes. Observed: 1 variant allele.
Comment: PIEZO1: PM2, PP1, PP4, PS4:Supporting